The following is an entry in ClinVar:

NM_019117.5(KLHL4):c.1341A>G (p.Glu447=)

Gene: KLHL4 (kelch like family member 4; plus strand). Cytogenetic location: Xq21.31.
Variant type: single nucleotide variant.
Coding change: c.1341A>G on transcript NM_019117.5 (MANE Select); coding-DNA position 1341, A replaced by G.
Protein change: p.Glu447=; no amino-acid change (glutamic acid 447 retained).
Molecular consequence: synonymous variant.
Genome position (GRCh38, 1-based): chrX:87,632,226, A>G. VCF-style: chrX-87632226-A-G. GRCh37 (hg19) VCF-style: chrX-86887226-A-G.
Other names: c.1341A>G, p.Glu447= (NM_057162.3).
Identifiers: ClinVar variation 2661011 (VCV002661011.24), dbSNP rs571811148, ClinGen allele CA10466318.

ClinVar aggregate classification (germline): Likely benign (1 of 4 stars; one submission).

Allele frequency attached by ClinVar (database versions not stated): TOPMed 0.00011; ExAC 0.00017; gnomAD 0.00017; gnomAD exomes 0.00018.
gnomAD v4.1: 220 of 1,186,788 alleles (0.019%); highest among the groups gnomAD compares: Middle Eastern, 0.28%; 1 homozygote.

Submission:

CeGaT Center for Human Genetics Tuebingen
Classification: Likely benign. Last evaluated: 2022-09-01. Review status: criteria provided, single submitter. Criteria: CeGaT Center For Human Genetics Tuebingen Variant Classification Criteria Version 2. Collection method: clinical testing. Allele origin: germline. Affected: yes. Observed: 1 variant allele.
Comment: KLHL4: BP4, BP7